The following is an entry in ClinVar:

NM_138694.4(PKHD1):c.1272G>A (p.Trp424Ter)

Gene: PKHD1 (PKHD1 ciliary IPT domain containing fibrocystin/polyductin; minus strand). Cytogenetic location: 6p12.2.
Variant type: single nucleotide variant.
Coding change: c.1272G>A on transcript NM_138694.4 (MANE Select); coding-DNA position 1272, G replaced by A.
Protein change: p.Trp424Ter; replaces tryptophan 424 with a stop codon.
Molecular consequence: nonsense.
Genome position (GRCh38, 1-based): chr6:52,058,563, C>T on the plus strand (G>A on the coding strand, the complement: PKHD1 is on the minus strand). VCF-style: chr6-52058563-C-T. GRCh37 (hg19) VCF-style: chr6-51923361-C-T.
Other names: c.1272G>A, p.Trp424Ter (NM_170724.3); short protein forms W424*.
Identifiers: ClinVar variation 1725072 (VCV001725072.7), dbSNP rs1230558010, ClinGen allele CA364427180.

ClinVar aggregate classification (germline): Pathogenic/Likely pathogenic. Review status: criteria provided, multiple submitters, no conflicts (2 of 4 stars). 2 submissions from 2 submitters: Pathogenic (1); Likely pathogenic (1). Last evaluated 2022-03-06.

Conditions:
Polycystic kidney disease 4 (PKD4). Also called: POLYCYSTIC KIDNEY AND HEPATIC DISEASE 1; POLYCYSTIC KIDNEY DISEASE, INFANTILE, TYPE I; POLYCYSTIC KIDNEY DISEASE 4 WITH OR WITHOUT POLYCYSTIC LIVER DISEASE; PKD3; Autosomal Recessive Polycystic Kidney Disease – PKHD1. Identifiers: MedGen C4540575, MONDO:0033004, OMIM 263200.
Autosomal recessive polycystic kidney disease (ARPKD). Also called: AR polycystic kidney disease. Identifiers: Orphanet 731, Orphanet 8378, MedGen C0085548, MeSH D017044, MONDO:0009889.

Submissions (2):

Myriad Genetics, Inc.
Classification: Likely pathogenic for Polycystic kidney disease 4. Last evaluated: 2022-03-06. Review status: criteria provided, single submitter. Criteria: Myriad Women's Health Autosomal Recessive and X-Linked Classification Criteria (2021). Collection method: clinical testing. Allele origin: unknown.
Comment: NM_138694.3(PKHD1):c.1272G>A(W424*) is expected to be pathogenic in the context of autosomal recessive polycystic kidney disease, PKHD1-related. This variant is predicted to lead to an abnormal or absent protein product due to the creation of a premature termination codon in PKHD1, a gene where loss-of-function variants are known to be pathogenic. Please note: this variant was assessed in the context of healthy population screening.

Labcorp Genetics (formerly Invitae), Labcorp
Classification: Pathogenic for Autosomal recessive polycystic kidney disease. Last evaluated: 2022-02-28. Review status: criteria provided, single submitter. Criteria: Invitae Variant Classification Sherloc (09022015). Collection method: clinical testing. Allele origin: germline.
Comment: This variant is not present in population databases (gnomAD no frequency). This variant has not been reported in the literature in individuals affected with PKHD1-related conditions. For these reasons, this variant has been classified as Pathogenic. This sequence change creates a premature translational stop signal (p.Trp424*) in the PKHD1 gene. It is expected to result in an absent or disrupted protein product. Loss-of-function variants in PKHD1 are known to be pathogenic (PMID: 19940839).

Literature cited by the submitters: PubMed 19940839 (cited by Labcorp Genetics (formerly Invitae), Labcorp).